The following is an entry in ClinVar:

NM_001365276.2(TNXB):c.1226A>C (p.Asn409Thr)

Gene: TNXB (tenascin XB; minus strand). Cytogenetic location: 6p21.33.
Variant type: single nucleotide variant.
Coding change: c.1226A>C on transcript NM_001365276.2 (MANE Select); coding-DNA position 1226, A replaced by C.
Protein change: p.Asn409Thr; replaces asparagine 409 with threonine.
Molecular consequence: missense variant.
Genome position (GRCh38, 1-based): chr6:32,096,627, T>G on the plus strand (A>C on the coding strand, the complement: TNXB is on the minus strand). VCF-style: chr6-32096627-T-G. GRCh37 (hg19) VCF-style: chr6-32064404-T-G.
Other names: c.1226A>C, p.Asn409Thr (NM_019105.8); short protein forms N409T.
Identifiers: ClinVar variation 1754251 (VCV001754251.2), dbSNP rs1424038404, ClinGen allele CA363482881.
Genomic context (GRCh38, chr6:32,096,627, plus strand): 5'-TCGGTTCCAGTGTACCCCGGCCAGCACACGCAGCGGCCGTCCTCGCAGCGGCCCCTTTGG[T>G]TGCAGTCGCCAGGGCAGCTGCGCACGCCGCAGTCGTCCCCGCTGTAGCCCGTGTCGCAAA-3'
Protein context (NP_001352205.1, residues 399-419): CGVRSCPGDC[Asn409Thr]QRGRCEDGRC

ClinVar aggregate classification (germline): Uncertain significance (1 of 4 stars; one submission).

Conditions:
Cardiovascular phenotype. Identifiers: MedGen CN230736.

Allele frequency attached by ClinVar (database versions not stated): gnomAD exomes 0.00001.

Submission:

Ambry Genetics
Classification: Uncertain significance for Cardiovascular phenotype. Last evaluated: 2019-09-13. Review status: criteria provided, single submitter. Criteria: Ambry Variant Classification Scheme 2023. Collection method: clinical testing. Allele origin: germline.
Comment: The p.N409T variant (also known as c.1226A>C), located in coding exon 2 of the TNXB gene, results from an A to C substitution at nucleotide position 1226. The asparagine at codon 409 is replaced by threonine, an amino acid with similar properties. This amino acid position is not well conserved in available vertebrate species. In addition, this alteration is predicted to be tolerated by in silico analysis. Since supporting evidence is limited at this time, the clinical significance of this alteration remains unclear.